The following is an entry in ClinVar:

ClinVar aggregate classification (germline): Uncertain significance (1 of 4 stars; one submission).

Conditions:
Polycystic kidney disease 2 (PKD2). Also called: POLYCYSTIC KIDNEY DISEASE, ADULT, TYPE II; Polycystic Kidney Disease 2, Autosomal Dominant; POLYCYSTIC KIDNEY DISEASE 2 WITH OR WITHOUT POLYCYSTIC LIVER DISEASE. Identifiers: MedGen C2751306, MONDO:0013131, OMIM 613095.

Submission:

Juno Genomics, Hangzhou Juno Genomics, Inc
Classification: Uncertain significance for Polycystic kidney disease 2. Review status: criteria provided, single submitter. Criteria: ACMG Guidelines, 2015. Collection method: clinical testing. Allele origin: germline. Affected: yes.
Comment: Absent from controls (or at extremely low frequency if recessive) in Genome Aggregation Database, Exome Sequencing Project, 1000 Genomes Project, or Exome Aggregation Consortium.;Well-established in vitro or in vivo functional studies supportive of a damaging effect on the gene or gene product.;Patient's phenotype or family history is highly specific for a disease with a single genetic etiology.

NM_000297.4(PKD2):c.1886T>C (p.Phe629Ser)

Gene: PKD2 (polycystin 2, transient receptor potential cation channel; plus strand). Cytogenetic location: 4q22.1.
Variant type: single nucleotide variant.
Coding change: c.1886T>C on transcript NM_000297.4 (MANE Select); coding-DNA position 1886, T replaced by C.
Protein change: p.Phe629Ser; replaces phenylalanine 629 with serine.
Molecular consequence: missense variant. On other transcripts: non-coding transcript variant (1).
Genome position (GRCh38, 1-based): chr4:88,056,255, T>C. VCF-style: chr4-88056255-T-C. GRCh37 (hg19) VCF-style: chr4-88977407-T-C.
Other names: short protein forms F629S.
Identifiers: ClinVar variation 3382004 (VCV003382004.2).